The following is an entry in ClinVar:

NM_213599.3(ANO5):c.1332+242G>A

Gene: ANO5 (anoctamin 5; plus strand). Cytogenetic location: 11p14.3.
Variant type: single nucleotide variant.
Coding change: c.1332+242G>A on transcript NM_213599.3 (MANE Select); 242 bases into the intron after coding-DNA position 1332, G replaced by A.
Molecular consequence: intron variant.
Genome position (GRCh38, 1-based): chr11:22,255,764, G>A. VCF-style: chr11-22255764-G-A. GRCh37 (hg19) VCF-style: chr11-22277310-G-A.
Other names: c.1329+242G>A (NM_001142649.2).
Identifiers: ClinVar variation 677980 (VCV000677980.1), dbSNP rs139317569, ClinGen allele CA218758089.

ClinVar aggregate classification (germline): Likely benign (1 of 4 stars; one submission).

Allele frequency attached by ClinVar (database versions not stated): gnomAD 0.00948 and 0.01011; TOPMed 0.01136; 1000 Genomes Project 0.01178; 1000 Genomes Project 30x 0.01312.
gnomAD v4.1: 1,431 of 152,138 alleles (0.94%); highest among the groups gnomAD compares: African/African-American, 3.2%; 22 homozygotes.

Submission:

GeneDx
Classification: Likely benign. Last evaluated: 2018-06-19. Review status: criteria provided, single submitter. Criteria: GeneDx Variant Classification (06012015). Collection method: clinical testing. Allele origin: germline. Affected: yes.
Comment: This variant is considered likely benign or benign based on one or more of the following criteria: it is a conservative change, it occurs at a poorly conserved position in the protein, it is predicted to be benign by multiple in silico algorithms, and/or has population frequency not consistent with disease.